The following is an entry in ClinVar:

ClinVar aggregate classification (germline): Pathogenic (1 of 4 stars; one submission).

Conditions:
Familial cancer of breast. Also called: Hereditary breast cancer; BREAST CANCER, FAMILIAL; hereditary breast carcinoma. Identifiers: Orphanet 227535, MedGen C0346153, MONDO:0016419, OMIM 114480. Disease mechanism: loss of function.

Submission:

Myriad Genetics, Inc.
Classification: Pathogenic for Familial cancer of breast. Last evaluated: 2023-06-26. Review status: criteria provided, single submitter. Criteria: Myriad Autosomal Dominant, Autosomal Recessive and X-Linked Classification Criteria (2023). Collection method: clinical testing. Allele origin: unknown.
Comment: This variant is considered pathogenic. This variant creates a frameshift predicted to result in premature protein truncation.

NM_007194.4(CHEK2):c.625del (p.Gln209fs)

Gene: CHEK2 (checkpoint kinase 2; minus strand). Cytogenetic location: 22q12.1.
Variant type: Deletion.
Coding change: c.625del on transcript NM_007194.4 (MANE Select); coding-DNA position 625, one base deleted (C; older notation c.625delC).
Protein change: p.Gln209fs; shifts the reading frame from glutamine 209.
Molecular consequence: frameshift variant. On other transcripts: 5 prime UTR variant (2), intron variant (1).
Genome position (GRCh38, 1-based): chr22:28,719,453, G deleted on the plus strand (C on the coding strand, the reverse complement: CHEK2 is on the minus strand). VCF-style (leftmost placement, unchanged base first): chr22-28719452-TG-T. GRCh37 (hg19) VCF-style: chr22-29115440-TG-T.
Other names: c.754del, p.Gln252fs (NM_001005735.3, NM_001438294.1); c.-39del (NM_001257387.3, NM_001437942.1); c.718del, p.Gln240fs (NM_001438293.1, NM_001438295.1); c.625del, p.Gln209fs (NM_145862.3); c.482+5433del (NM_001349956.3); short protein forms Q209fs, Q252fs, Q240fs.
Identifiers: ClinVar variation 2583393 (VCV002583393.2), dbSNP rs2518010039, ClinGen allele CA2582342750.